The following is an entry in ClinVar:

NM_024664.4(PPCS):c.708C>T (p.Pro236=)

Genes: CCDC30 (coiled-coil domain containing 30; plus strand), PPCS (phosphopantothenoylcysteine synthetase; plus strand). Cytogenetic location: 1p34.2.
Variant type: single nucleotide variant.
Coding change: c.708C>T on transcript NM_024664.4 (MANE Select); coding-DNA position 708, C replaced by T.
Protein change: p.Pro236=; no amino-acid change (proline 236 retained).
Molecular consequence: synonymous variant. On other transcripts: intron variant (2).
Genome position (GRCh38, 1-based): chr1:42,459,698, C>T. VCF-style: chr1-42459698-C-T. GRCh37 (hg19) VCF-style: chr1-42925369-C-T.
Other names: c.189C>T, p.Pro63= (NM_001077447.3, NM_001287506.1, NM_001287508.2 and 2 more transcripts); c.90C>T, p.Pro30= (NM_001287507.1); c.-880+2348C>T (NM_001355226.2); c.612+2348C>T (NM_001287511.2).
Identifiers: ClinVar variation 2187338 (VCV002187338.6), dbSNP rs575586967, ClinGen allele CA800059.

ClinVar aggregate classification (germline): Benign/Likely benign. Review status: criteria provided, multiple submitters, no conflicts (2 of 4 stars). 3 submissions from 3 submitters: Benign (1); Likely benign (1). 1 of the submissions does not count toward it. Last evaluated 2026-01-28.

Conditions:
PPCS-related disorder. Also called: PPCS-related condition.

Allele frequency attached by ClinVar (database versions not stated): ExAC 0.00057; TOPMed 0.00003; 1000 Genomes Project 30x 0.00047; gnomAD 0.00013; gnomAD exomes 0.00020; 1000 Genomes Project 0.00040.
gnomAD v4.1: 308 of 1,614,146 alleles (0.019%); highest among the groups gnomAD compares: South Asian, 0.3%; 6 homozygotes.

Submissions (3):

Labcorp Genetics (formerly Invitae), Labcorp
Classification: Benign. Last evaluated: 2026-01-28. Review status: criteria provided, single submitter. Criteria: Invitae Variant Classification Sherloc (09022015). Collection method: clinical testing. Allele origin: germline.

Molecular Diagnostic Laboratory for Inherited Cardiovascular Disease, Montreal Heart Institute
Classification: Likely benign. Last evaluated: 2025-04-09. Review status: criteria provided, single submitter. Criteria: ACMG Guidelines, 2015. Collection method: clinical testing. Allele origin: germline. Affected: no.

PreventionGenetics, part of Exact Sciences
Classification: Likely benign for PPCS-related condition. Last evaluated: 2019-04-23. Review status: no assertion criteria provided. Collection method: clinical testing. Allele origin: germline. Not counted in ClinVar's aggregate classification.
Comment: This variant is classified as likely benign based on ACMG/AMP sequence variant interpretation guidelines (Richards et al. 2015 PMID: 25741868, with internal and published modifications).